The following is an entry in ClinVar:

ClinVar aggregate classification (germline): Conflicting classifications of pathogenicity. Review status: criteria provided, conflicting classifications (1 of 4 stars). 6 submissions from 6 submitters: Uncertain significance (4); Likely benign (2). Last evaluated 2025-08-12.

Conditions:
Hereditary breast ovarian cancer syndrome. Also called: Hereditary breast and ovarian cancer syndrome; Hereditary breast and ovarian cancer syndrome (HBOC); BRCA1- and BRCA2-Associated Hereditary Breast and Ovarian Cancer; Breast and ovarian cancer; Hereditary breast and ovarian cancer; Hereditary breast and/or ovarian cancer syndrome. Identifiers: Orphanet 145, MedGen C0677776, MeSH D061325, MONDO:0003582. Disease mechanism: loss of function.
Hereditary cancer-predisposing syndrome. Also called: Hereditary Cancer Syndrome; Hereditary neoplastic syndrome; Tumor predisposition; Neoplastic Syndromes, Hereditary. Identifiers: Orphanet 140162, MedGen C0027672, MeSH D009386, MONDO:0015356.
Breast-ovarian cancer, familial, susceptibility to, 1 (BROVCA1). Also called: OVARIAN CANCER, SUSCEPTIBILITY TO; BRCA1 Hereditary Breast and Ovarian Cancer. Identifiers: Orphanet 145, MedGen C2676676, MONDO:0011450, OMIM 604370. Disease mechanism: loss of function.

gnomAD v4.1: 2 of 1,613,808 alleles (0.00012%); highest among the groups gnomAD compares: Non-Finnish European, 0.00017%; no homozygotes.

Submissions (6):

Color Diagnostics, LLC DBA Color Health
Classification: Uncertain significance for Hereditary cancer-predisposing syndrome. Last evaluated: 2025-08-12. Review status: criteria provided, single submitter. Criteria: ACMG Guidelines, 2015. Collection method: clinical testing. Allele origin: germline.
Comment: This missense variant replaces threonine with lysine at codon 539 of the BRCA1 protein. Computational prediction is inconclusive regarding the impact of this variant on protein structure and function. To our knowledge, functional studies have not been reported for this variant. This variant has been reported in an individual affected with breast cancer (PMID: 32803532) and in an individual who underwent cancer genetic testing (PMID: 39402389). This variant has been identified in 1/250846 chromosomes in the general population by the Genome Aggregation Database (gnomAD). The available evidence is insufficient to determine the role of this variant in disease conclusively. Therefore, this variant is classified as a Variant of Uncertain Significance.

Ambry Genetics
Classification: Uncertain significance for Hereditary cancer-predisposing syndrome. Last evaluated: 2025-04-04. Review status: criteria provided, single submitter. Criteria: Ambry Variant Classification Scheme 2023. Collection method: clinical testing. Allele origin: germline.
Comment: The p.T539K variant (also known as c.1616C>A), located in coding exon 9 of the BRCA1 gene, results from a C to A substitution at nucleotide position 1616. The threonine at codon 539 is replaced by lysine, an amino acid with similar properties. This variant was identified amongst 8085 breast cancer patients (Wan Q et al. Fam Cancer, 2021 Apr;20:85-95). This amino acid position is poorly conserved in available vertebrate species. In addition, the in silico prediction for this alteration is inconclusive. Based on the available evidence, the clinical significance of this variant remains unclear.

Labcorp Genetics (formerly Invitae), Labcorp
Classification: Uncertain significance for Hereditary breast ovarian cancer syndrome. Last evaluated: 2025-03-19. Review status: criteria provided, single submitter. Criteria: Invitae Variant Classification Sherloc (09022015). Collection method: clinical testing. Allele origin: germline.
Comment: This sequence change replaces threonine, which is neutral and polar, with lysine, which is basic and polar, at codon 539 of the BRCA1 protein (p.Thr539Lys). This variant is present in population databases (rs80357374, gnomAD 0.0009%). This variant has not been reported in the literature in individuals affected with BRCA1-related conditions. ClinVar contains an entry for this variant (Variation ID: 182132). Invitae Evidence Modeling of protein sequence and biophysical properties (such as structural, functional, and spatial information, amino acid conservation, physicochemical variation, residue mobility, and thermodynamic stability) indicates that this missense variant is not expected to disrupt BRCA1 protein function with a negative predictive value of 80%. In summary, the available evidence is currently insufficient to determine the role of this variant in disease. Therefore, it has been classified as a Variant of Uncertain Significance.

Myriad Genetics, Inc.
Classification: Likely benign for Breast-ovarian cancer, familial, susceptibility to, 1. Last evaluated: 2023-12-06. Review status: criteria provided, single submitter. Criteria: Myriad Autosomal Dominant, Autosomal Recessive and X-Linked Classification Criteria (2023). Collection method: clinical testing. Allele origin: unknown.
Comment: This variant is considered likely benign. This variant is strongly associated with less severe personal and family histories of cancer, typical for individuals without pathogenic variants in this gene [PMID: 25085752].

University of Washington Department of Laboratory Medicine, University of Washington
Classification: Likely benign for Hereditary cancer-predisposing syndrome. Last evaluated: 2023-03-23. Review status: criteria provided, single submitter. Criteria: Dines et al. (Genet Med. 2020). Collection method: curation. Allele origin: germline.
Comment: Missense variant in a coldspot region where missense variants are very unlikely to be pathogenic (PMID:31911673).

BRCA1 coldspot (exon 11 using historical exon numbering). Reclassification based on statistical prior probability

GeneDx
Classification: Uncertain significance. Last evaluated: 2014-02-07. Review status: criteria provided, single submitter. Criteria: GeneDx Variant Classification (06012015). Collection method: clinical testing. Allele origin: germline. Affected: yes.
Comment: This variant is denoted BRCA1 c.1616C>A at the cDNA level, p.Thr539Lys (T539K) at the protein level, and results in the change of a Threonine to a Lysine (ACG>AAG). This variant has not, to our knowledge, been published in the literature as pathogenic or benign. BRCA1 Thr539Lys was not observed in approximately 6,500 individuals of European and African American ancestry in the NHLBI Exome Sequencing Project, indicating it is not a common benign variant in these populations. This variant is a semi-conservative substitution in which a neutral polar amino acid is replaced with a positive polar one, altering a position that is highly variable throughout evolution and is not located in a known functional domain. In silico analyses are inconsistent with regard to the effect this variant may have on protein structure and function. Based on currently available information, we consider BRCA1 Thr539Lys to be a variant of uncertain significance.

Literature cited by the submitters: PubMed 32803532 (cited by Color Diagnostics, LLC DBA Color Health and Ambry Genetics); PubMed 39402389 (cited by Color Diagnostics, LLC DBA Color Health); PubMed 25085752 (cited by Myriad Genetics, Inc.).

NM_007294.4(BRCA1):c.1616C>A (p.Thr539Lys)

Gene: BRCA1 (BRCA1 DNA repair associated; minus strand). Cytogenetic location: 17q21.31.
Variant type: single nucleotide variant.
Coding change: c.1616C>A on transcript NM_007294.4 (MANE Select); coding-DNA position 1616, C replaced by A.
Protein change: p.Thr539Lys; replaces threonine 539 with lysine.
Molecular consequence: missense variant. On other transcripts: intron variant (137).
Genome position (GRCh38, 1-based): chr17:43,093,915, G>T on the plus strand (C>A on the coding strand, the complement: BRCA1 is on the minus strand). VCF-style: chr17-43093915-G-T. GRCh37 (hg19) VCF-style: chr17-41245932-G-T.
Other names: p.T539K:ACG>AAG; c.1403C>A, p.Thr468Lys (NM_001407571.1, NM_001407915.1, NM_001407916.1 and 9 more transcripts); c.1616C>A, p.Thr539Lys (NM_001407581.1, NM_001407582.1, NM_001407583.1 and 30 more transcripts); c.1613C>A, p.Thr538Lys (NM_001407587.1, NM_001407590.1, NM_001407591.1 and 22 more transcripts); c.1538C>A, p.Thr513Lys (NM_001407654.1, NM_001407655.1, NM_001407656.1 and 4 more transcripts); c.1535C>A, p.Thr512Lys (NM_001407659.1, NM_001407660.1, NM_001407661.1 and 1 more transcripts); c.1490C>A, p.Thr497Lys (NM_001407673.1, NM_001407649.1, NM_001407670.1 and 11 more transcripts); c.1493C>A, p.Thr498Lys (NM_001407674.1, NM_001407675.1, NM_001407676.1 and 19 more transcripts); and 41 more; short protein forms T539K, T492K, T243K, T411K, T450K, T451K, T512K, T513K.
Identifiers: ClinVar variation 182132 (VCV000182132.19), dbSNP rs80357374, ClinGen allele CA001074.